The following is an entry in ClinVar:

NM_017654.4(SAMD9):c.415A>G (p.Lys139Glu)

Gene: SAMD9 (sterile alpha motif domain containing 9; minus strand). Cytogenetic location: 7q21.2.
Variant type: single nucleotide variant.
Coding change: c.415A>G on transcript NM_017654.4 (MANE Select); coding-DNA position 415, A replaced by G.
Protein change: p.Lys139Glu; replaces lysine 139 with glutamic acid.
Molecular consequence: missense variant.
Genome position (GRCh38, 1-based): chr7:93,105,683, T>C on the plus strand (A>G on the coding strand, the complement: SAMD9 is on the minus strand). VCF-style: chr7-93105683-T-C. GRCh37 (hg19) VCF-style: chr7-92734996-T-C.
Other names: c.415A>G, p.Lys139Glu (NM_001193307.2); short protein forms K139E.
Identifiers: ClinVar variation 3792105 (VCV003792105.1).

ClinVar aggregate classification (germline): Uncertain significance (1 of 4 stars; one submission).

Conditions:
Inborn genetic diseases. Identifiers: MedGen C0950123, MeSH D030342.

Submission:

Ambry Genetics
Classification: Uncertain significance for Inborn genetic diseases. Last evaluated: 2025-02-16. Review status: criteria provided, single submitter. Criteria: Ambry Variant Classification Scheme 2023. Collection method: clinical testing. Allele origin: germline.
Comment: The p.K139E variant (also known as c.415A>G), located in coding exon 1 of the SAMD9 gene, results from an A to G substitution at nucleotide position 415. The lysine at codon 139 is replaced by glutamic acid, an amino acid with similar properties. This amino acid position is conserved. In addition, this alteration is predicted to be tolerated by in silico analysis. Based on the available evidence, the clinical significance of this variant remains unclear.